The following is an entry in ClinVar:

NM_000426.4(LAMA2):c.5961T>C (p.Asp1987=)

Gene: LAMA2 (laminin subunit alpha 2; plus strand). Cytogenetic location: 6q22.33.
Variant type: single nucleotide variant.
Coding change: c.5961T>C on transcript NM_000426.4 (MANE Select); coding-DNA position 5961, T replaced by C.
Protein change: p.Asp1987=; no amino-acid change (aspartic acid 1987 retained).
Molecular consequence: synonymous variant.
Genome position (GRCh38, 1-based): chr6:129,427,847, T>C. VCF-style: chr6-129427847-T-C. GRCh37 (hg19) VCF-style: chr6-129748992-T-C.
Other names: c.5961T>C, p.Asp1987= (NM_001079823.2).
Identifiers: ClinVar variation 1115908 (VCV001115908.28), dbSNP rs761267338, ClinGen allele CA3994040.

ClinVar aggregate classification (germline): Likely benign. Review status: criteria provided, multiple submitters, no conflicts (2 of 4 stars). 2 submissions from 2 submitters: Likely benign (2). Last evaluated 2024-05-01.

Conditions:
LAMA2-related muscular dystrophy (LAMA2-RD). Also called: Laminin alpha 2-related dystrophy. Identifiers: MedGen C5679788, MONDO:0100228.

Allele frequency attached by ClinVar (database versions not stated): gnomAD exomes below 0.00001; TOPMed below 0.00001; ExAC 0.00001.
gnomAD v4.1: 3 of 1,607,222 alleles (0.00019%); highest among the groups gnomAD compares: Admixed American, 0.0017%; no homozygotes.

Submissions (2):

CeGaT Center for Human Genetics Tuebingen
Classification: Likely benign. Last evaluated: 2024-05-01. Review status: criteria provided, single submitter. Criteria: CeGaT Center For Human Genetics Tuebingen Variant Classification Criteria Version 2. Collection method: clinical testing. Allele origin: germline. Affected: yes. Observed: 1 variant allele.
Comment: LAMA2: BP4, BP7

Labcorp Genetics (formerly Invitae), Labcorp
Classification: Likely benign for LAMA2-related muscular dystrophy. Last evaluated: 2024-01-31. Review status: criteria provided, single submitter. Criteria: Invitae Variant Classification Sherloc (09022015). Collection method: clinical testing. Allele origin: germline.